The following is an entry in ClinVar:

NM_144573.4(NEXN):c.1991C>G (p.Ala664Gly)

Gene: NEXN (nexilin F-actin binding protein; plus strand). Cytogenetic location: 1p31.1.
Variant type: single nucleotide variant.
Coding change: c.1991C>G on transcript NM_144573.4 (MANE Select); coding-DNA position 1991, C replaced by G.
Protein change: p.Ala664Gly; replaces alanine 664 with glycine.
Molecular consequence: missense variant.
Genome position (GRCh38, 1-based): chr1:77,942,792, C>G. VCF-style: chr1-77942792-C-G. GRCh37 (hg19) VCF-style: chr1-78408477-C-G.
Other names: c.1799C>G, p.Ala600Gly (NM_001172309.2); short protein forms A600G, A664G.
Identifiers: ClinVar variation 4860828 (VCV004860828.1).

ClinVar aggregate classification (germline): Uncertain significance (1 of 4 stars; one submission).

Conditions:
Cardiovascular phenotype. Identifiers: MedGen CN230736.

gnomAD v4.1: 1 of 1,611,408 alleles (0.000062%); highest among the groups gnomAD compares: Admixed American, 0.0017%; no homozygotes.

Submission:

Ambry Genetics
Classification: Uncertain significance for Cardiovascular phenotype. Last evaluated: 2026-03-28. Review status: criteria provided, single submitter. Criteria: Ambry Variant Classification Scheme 2023. Collection method: clinical testing. Allele origin: germline.
Comment: The p.A664G variant (also known as c.1991C>G), located in coding exon 12 of the NEXN gene, results from a C to G substitution at nucleotide position 1991. The alanine at codon 664 is replaced by glycine, an amino acid with similar properties. This amino acid position is conserved. In addition, the in silico prediction for this alteration is inconclusive. Based on the available evidence, the clinical significance of this variant remains unclear.